The following is an entry in ClinVar:

ClinVar aggregate classification (germline): Uncertain significance (1 of 4 stars; one submission).

Conditions:
Hypertrophic cardiomyopathy 14. Identifiers: MedGen C2750467, MONDO:0013197, OMIM 613251.

Submission:

Labcorp Genetics (formerly Invitae), Labcorp
Classification: Uncertain significance for Hypertrophic cardiomyopathy 14. Last evaluated: 2020-08-21. Review status: criteria provided, single submitter. Criteria: Invitae Variant Classification Sherloc (09022015). Collection method: clinical testing. Allele origin: germline.
Comment: In summary, the available evidence is currently insufficient to determine the role of this variant in disease. Therefore, it has been classified as a Variant of Uncertain Significance. This sequence change replaces isoleucine with serine at codon 1726 of the MYH6 protein (p.Ile1726Ser). The isoleucine residue is weakly conserved and there is a large physicochemical difference between isoleucine and serine. This variant is not present in population databases (ExAC no frequency). This variant has not been reported in the literature in individuals with MYH6-related conditions. Algorithms developed to predict the effect of missense changes on protein structure and function are either unavailable or do not agree on the potential impact of this missense change (SIFT: "Deleterious"; PolyPhen-2: "Probably Damaging"; Align-GVGD: "Class C0").

NM_002471.4(MYH6):c.5177T>G (p.Ile1726Ser)

Gene: MYH6 (myosin heavy chain 6; minus strand). Cytogenetic location: 14q11.2.
Variant type: single nucleotide variant.
Coding change: c.5177T>G on transcript NM_002471.4 (MANE Select); coding-DNA position 5177, T replaced by G.
Protein change: p.Ile1726Ser; replaces isoleucine 1726 with serine.
Molecular consequence: missense variant.
Genome position (GRCh38, 1-based): chr14:23,385,028, A>C on the plus strand (T>G on the coding strand, the complement: MYH6 is on the minus strand). VCF-style: chr14-23385028-A-C. GRCh37 (hg19) VCF-style: chr14-23854237-A-C.
Other names: short protein forms I1726S.
Identifiers: ClinVar variation 840252 (VCV000840252.10), dbSNP rs1304636038, ClinGen allele CA388988629.
Genomic context (GRCh38, chr14:23,385,028, plus strand): 5'-GCCTCCTCCACTTCCGACTGGAGCTGGGTCAGATCCGACTCCATCTTCTTCTTCTGGTTG[A>C]TGAGGCTGGTGTTCTAGACATGGAGAGAGAAAAATGATCAAATATATACTACACTTTGTT-3'
Protein context (NP_002462.2, residues 1716-1736): QLLHSQNTSL[Ile1726Ser]NQKKKMESDL